The following is an entry in ClinVar:

NM_001845.6(COL4A1):c.823G>A (p.Gly275Arg)

Gene: COL4A1 (collagen type IV alpha 1 chain; minus strand). Cytogenetic location: 13q34.
Variant type: single nucleotide variant.
Coding change: c.823G>A on transcript NM_001845.6 (MANE Select); coding-DNA position 823, G replaced by A.
Protein change: p.Gly275Arg; replaces glycine 275 with arginine.
Molecular consequence: missense variant.
Genome position (GRCh38, 1-based): chr13:110,206,700, C>T on the plus strand (G>A on the coding strand, the complement: COL4A1 is on the minus strand). VCF-style: chr13-110206700-C-T. GRCh37 (hg19) VCF-style: chr13-110859047-C-T.
Other names: c.823G>A, p.Gly275Arg (NM_001303110.2); short protein forms G275R.
Identifiers: ClinVar variation 2164228 (VCV002164228.33), dbSNP rs368900861, ClinGen allele CA7048295.

ClinVar aggregate classification (germline): Conflicting classifications of pathogenicity. Review status: criteria provided, conflicting classifications (1 of 4 stars). 4 submissions from 4 submitters: Likely pathogenic (1); Uncertain significance (3). Last evaluated 2025-09-24.

Conditions:
Brain small vessel disease 1 with or without ocular anomalies (BSVD1). Also called: PORENCEPHALY, TYPE 1, AUTOSOMAL DOMINANT; Brain small vessel disease with or without ocular anomalies; BRAIN SMALL VESSEL DISEASE WITH HEMORRHAGE; GOULD SYNDROME 1. Identifiers: Orphanet 2940, Orphanet 36383, Orphanet 99810, MedGen C4755307, MONDO:0008289, OMIM 175780.
Autosomal dominant familial hematuria-retinal arteriolar tortuosity-contractures syndrome. Also called: Angiopathy, hereditary, with nephropathy, aneurysms, and muscle cramps; Hereditary Angiopathy with Nephropathy, Aneurysms, and Muscle Cramps (HANAC) Syndrome. Identifiers: Orphanet 73229, MedGen C2673195, MONDO:0012726, OMIM 611773.

Allele frequency attached by ClinVar (database versions not stated): gnomAD 0.00001; ExAC 0.00002; gnomAD exomes 0.00002; TOPMed 0.00003; ESP Exome Variant Server 0.00008; 1000 Genomes Project 0.00020; 1000 Genomes Project 30x 0.00031.
gnomAD v4.1: 28 of 1,614,176 alleles (0.0017%); highest among the groups gnomAD compares: East Asian, 0.0089%; no homozygotes.

Submissions (4):

Genesolutions, Medical Genetics Institutes, Ho Chi Minh City, Vietnam
Classification: Uncertain significance for Autosomal dominant familial hematuria-retinal arteriolar tortuosity-contractures syndrome. Last evaluated: 2025-09-24. Review status: criteria provided, single submitter. Criteria: ACMG Guidelines, 2015. Collection method: clinical testing. Allele origin: germline. Affected: yes.

Labcorp Genetics (formerly Invitae), Labcorp
Classification: Uncertain significance. Last evaluated: 2025-02-11. Review status: criteria provided, single submitter. Criteria: Invitae Variant Classification Sherloc (09022015). Collection method: clinical testing. Allele origin: germline.
Comment: This sequence change replaces glycine, which is neutral and non-polar, with arginine, which is basic and polar, at codon 275 of the COL4A1 protein (p.Gly275Arg). This variant is present in population databases (rs368900861, gnomAD 0.003%). This variant has not been reported in the literature in individuals affected with COL4A1-related conditions. ClinVar contains an entry for this variant (Variation ID: 2164228). Invitae Evidence Modeling of protein sequence and biophysical properties (such as structural, functional, and spatial information, amino acid conservation, physicochemical variation, residue mobility, and thermodynamic stability) indicates that this missense variant is expected to disrupt COL4A1 protein function with a positive predictive value of 95%. In summary, the available evidence is currently insufficient to determine the role of this variant in disease. Therefore, it has been classified as a Variant of Uncertain Significance.

CeGaT Center for Human Genetics Tuebingen
Classification: Likely pathogenic. Last evaluated: 2024-01-01. Review status: criteria provided, single submitter. Criteria: CeGaT Center For Human Genetics Tuebingen Variant Classification Criteria Version 2. Collection method: clinical testing. Allele origin: germline. Affected: yes. Observed: 3 variant alleles.
Comment: COL4A1: PM1, PM2, PP4, PS4:Supporting

Department of Pathology and Laboratory Medicine, Sinai Health System
Classification: Uncertain significance for brain small vessel disease 1 with or without ocular anomalies. Last evaluated: 2021-07-30. Review status: criteria provided, single submitter. Criteria: ACMG Guidelines, 2015. Collection method: research. Allele origin: germline.